The following is an entry in ClinVar:

ClinVar aggregate classification (germline): Pathogenic. Review status: criteria provided, multiple submitters, no conflicts (2 of 4 stars). 7 submissions from 7 submitters: Pathogenic (5). 2 of the submissions do not count toward it. Last evaluated 2026-01-09.

Conditions:
Hemoglobinopathy. Also called: Hemoglobin disorder; Haemoglobinopathies. Identifiers: MedGen C0019045, MONDO:0044348.
beta Thalassemia (BTHAL). Also called: Cooley's anemia; Erythroblastic anemia; Mediterranean anemia. Identifiers: Orphanet 848, MedGen C0005283, MONDO:0019402. Disease mechanism: loss of function.
Beta zero thalassemia. Identifiers: MedGen C0271980.

Submissions (7):

Natera, Inc.
Classification: Pathogenic for Beta thalassemia. Last evaluated: 2026-01-09. Review status: criteria provided, single submitter. Criteria: Natera Variant Classification Schema (03/2026). Collection method: clinical testing. Allele origin: germline.
Comment: The c.36delT variant in HBB is a frameshift variant predicted to shift the reading frame beginning at codon 13 and leads to a stop codon 7 codons downstream. This variant is expected to result in nonsense mediated decay, truncation, or a dysfunctional protein product. This variant is rare in the general population with a frequency below the threshold expected for the associated phenotype(s). This variant has been observed in one or more individuals affected with the associated recessive disease, as either homozygous or compound heterozygous with a second variant (PMID: 8619407). Given the available evidence, this variant is classified as Pathogenic.

Labcorp Genetics (formerly Invitae), Labcorp
Classification: Pathogenic. Last evaluated: 2025-11-25. Review status: criteria provided, single submitter. Criteria: Invitae Variant Classification Sherloc (09022015). Collection method: clinical testing. Allele origin: germline.
Comment: This sequence change creates a premature translational stop signal (p.Thr13Leufs*7) in the HBB gene. It is expected to result in an absent or disrupted protein product. Loss-of-function variants in HBB are known to be pathogenic (PMID: 23637309). This variant is present in population databases (rs34856846, gnomAD 0.003%). This premature translational stop signal has been observed in individual(s) with clinical features of autosomal recessive beta-thalassemia (PMID: 8619407). This variant is also known as a frameshift in codon 11 (FsCd 11 -T). ClinVar contains an entry for this variant (Variation ID: 15423). Algorithms developed to predict the effect of sequence changes on RNA splicing suggest that this variant may disrupt the consensus splice site. For these reasons, this variant has been classified as Pathogenic.

ARUP Laboratories, Molecular Genetics and Genomics, ARUP Laboratories
Classification: Pathogenic. Last evaluated: 2025-07-15. Review status: criteria provided, single submitter. Criteria: ARUP Molecular Germline Variant Investigation Process 2024. Collection method: clinical testing. Allele origin: germline.
Comment: This variant is reported as pathogenic in ClinVar (Variation ID: 15423). It is only observed on one allele in the Genome Aggregation Database, indicating it is not a common polymorphism. This variant causes a frameshift by deleting a single nucleotide, so it is predicted to result in a truncated protein or mRNA subject to nonsense-mediated decay. Based on available information, this variant is considered to be pathogenic. References: Link to HbVar: Economou E et al. Molecular heterogeneity of beta-thalassemia in mestizo Mexicans. Genomics. 1991; 11(2):474. PMID: 1769663. Perea F et al. Haplotype analysis of the Mexican frameshift Cd 11 (-T) and -28 A->C beta-thalassemia alleles. Am J Hematol. 1996; 51(3):240-2. PMID: 8619407.

Quest Diagnostics Nichols Institute San Juan Capistrano
Classification: Pathogenic. Last evaluated: 2025-01-15. Review status: criteria provided, single submitter. Criteria: Quest Diagnostics criteria. Collection method: clinical testing. Allele origin: unknown.
Comment: The HBB c.36del (p.Thr13Leufs*7) variant (also known as Codon 11 (-T)) alters the translational reading frame of the HBB mRNA and causes the premature termination of HBB protein synthesis. In the published literature, this variant has been reported in individuals with beta(0)-thalassemia (PMID: 1769663 (1991), 8619407 (1996), 28603845 (2017), 31980526 (2020), 34060411 (2021), 35638908 (2022), and HbVar). The frequency of this variant in the general population (Genome Aggregation Database) is consistent with pathogenicity. Based on the available information, this variant is classified as pathogenic.

Women's Health and Genetics/Laboratory Corporation of America, LabCorp
Classification: Pathogenic for Hemoglobinopathy. Last evaluated: 2018-05-11. Review status: criteria provided, single submitter. Criteria: LabCorp Variant Classification Summary - May 2015. Collection method: clinical testing. Allele origin: germline.
Comment: Variant summary: HBB c.36delT (p.Thr13LeufsX7) results in a premature termination codon, predicted to cause a truncation of the encoded protein or absence of the protein due to nonsense mediated decay, which are commonly known mechanisms for disease. Truncations downstream of this position have been classified as pathogenic by our laboratory (eg. c.45dupG/p.Trp16fsX8). The variant allele was found at a frequency of 4.1e-06 in 245986 control chromosomes. c.36delT has been reported in the literature in multiple individuals affected with Beta Thalassemia. These data indicate that the variant is very likely to be associated with disease. To our knowledge, no experimental evidence demonstrating an impact on protein function has been reported. One clinical diagnostic laboratory and one database have submitted clinical-significance assessments for this variant to ClinVar after 2014 without evidence for independent evaluation, and both classified the variant as pathogenic. Based on the evidence outlined above, the variant was classified as pathogenic.

The ITHANET community portal, The Cyprus Institute of Neurology and Genetics
Classification: Pathogenic for beta Thalassemia. Last evaluated: 2019-11-25. Review status: no assertion criteria provided. Collection method: curation. Allele origin: germline. Not counted in ClinVar's aggregate classification.

OMIM
Classification: Pathogenic for BETA-ZERO-THALASSEMIA. Last evaluated: 2016-07-20. Review status: no assertion criteria provided. Collection method: literature only. Allele origin: germline. Not counted in ClinVar's aggregate classification.

Literature cited by the submitters: PubMed 8619407 (cited by 4 submitters); PubMed 23637309 (cited by Labcorp Genetics (formerly Invitae), Labcorp); PubMed 28603845 (cited by Quest Diagnostics Nichols Institute San Juan Capistrano and Women's Health and Genetics/Laboratory Corporation of America, LabCorp); PubMed 35638908 (cited by Quest Diagnostics Nichols Institute San Juan Capistrano); PubMed 34060411 (cited by Quest Diagnostics Nichols Institute San Juan Capistrano); PubMed 31980526 (cited by Quest Diagnostics Nichols Institute San Juan Capistrano); PubMed 1769663 (cited by 3 submitters); PubMed 15315794 (cited by Women's Health and Genetics/Laboratory Corporation of America, LabCorp); Economou, E. P., Antonarakis, S. E., Dowling, C. E., Ibarra, B., de la Nova, E., Kazazian, H. H., Jr. Molecular characterization of beta-thalassemia in Mexicans. (Abstract) Clin. Res. 38: 387A, 1990. (cited by OMIM).

NM_000518.5(HBB):c.36del (p.Thr13fs)

Genes: HBB (hemoglobin subunit beta; minus strand), LOC106099062 (HBB recombination region; plus strand), LOC107133510 (origin of replication at HBB; plus strand). Cytogenetic location: 11p15.4.
Variant type: Deletion.
Coding change: c.36del on transcript NM_000518.5 (MANE Select); coding-DNA position 36, one base deleted (T; older notation c.36delT).
Protein change: p.Thr13fs; shifts the reading frame from threonine 13.
Molecular consequence: frameshift variant.
Genome position (GRCh38, 1-based): chr11:5,226,986, A deleted on the plus strand (T on the coding strand, the reverse complement: HBB is on the minus strand); the first of 2 consecutive A bases (chr11:5,226,986-5,226,987); deleting either gives the same sequence. VCF-style (leftmost placement, unchanged base first): chr11-5226985-TA-T. GRCh37 (hg19) VCF-style: chr11-5248215-TA-T.
Other names: CD 11 (-T); c.36delT (NM_000518.5); short protein forms T13fs.
Identifiers: ClinVar variation 15423 (VCV000015423.114), dbSNP rs34856846, ClinGen allele CA125289.
Genomic context (GRCh38, chr11:5,226,985, plus strand): 5'-CCAACCTGCCCAGGGCCTCACCACCAACTTCATCCACGTTCACCTTGCCCCACAGGGCAG[TA>T]ACGGCAGACTTCTCCTCAGGAGTCAGATGCACCATGGTGTCTGTTTGAGGTTGCTAGTGA-3'